The following is an entry in ClinVar:

ClinVar aggregate classification (germline): Conflicting classifications of pathogenicity. Review status: criteria provided, conflicting classifications (1 of 4 stars). 2 submissions from 2 submitters: Uncertain significance (1); Likely benign (1). Last evaluated 2024-10-13.

Conditions:
Familial thoracic aortic aneurysm and aortic dissection (TAAD). Also called: Thoracic aortic aneurysms and dissections. Identifiers: Orphanet 91387, MedGen C4707243, MONDO:0019625.
Marfan syndrome (MFS). Also called: MARFAN SYNDROME, TYPE I; Marfan syndrome type 1; Marfan's syndrome; Marfan syndrome, classic; FBN1-Related Marfan Syndrome. Identifiers: Orphanet 284963, Orphanet 558, MedGen C0024796, MONDO:0007947, OMIM 154700.

Allele frequency attached by ClinVar (database versions not stated): TOPMed below 0.00001; gnomAD exomes 0.00001; gnomAD 0.00001.
gnomAD v4.1: 11 of 1,613,670 alleles (0.00068%); highest among the groups gnomAD compares: South Asian, 0.0033%; no homozygotes.

Submissions (2):

Labcorp Genetics (formerly Invitae), Labcorp
Classification: Likely benign for Marfan syndrome; Familial thoracic aortic aneurysm and aortic dissection. Last evaluated: 2024-10-13. Review status: criteria provided, single submitter. Criteria: Invitae Variant Classification Sherloc (09022015). Collection method: clinical testing. Allele origin: germline.

All of Us Research Program, National Institutes of Health
Classification: Uncertain significance for Marfan syndrome. Last evaluated: 2023-11-20. Review status: criteria provided, single submitter. Criteria: ACMG Guidelines, 2015. Collection method: clinical testing. Allele origin: germline. Inheritance: Autosomal dominant inheritance. Observed: 1 variant allele, 1 heterozygote.
Comment: This missense variant replaces alanine with threonine at codon 1443 of the FBN1 protein. Computational prediction suggests that this variant may not impact protein structure and function (internally defined REVEL score threshold <= 0.5, PMID: 27666373). To our knowledge, functional studies have not been reported for this variant. This variant has not been reported in individuals affected with FBN1-related disorders in the literature. This variant has been identified in 3/251240 chromosomes in the general population by the Genome Aggregation Database (gnomAD). The available evidence is insufficient to determine the role of this variant in disease conclusively. Therefore, this variant is classified as a Variant of Uncertain Significance.

This study involves interpretation of variants in research participants for the purpose of population health screening. Participant phenotype was not available at the time of variant classification. Additional details can be found in publication PMID: 35346344, PMCID: PMC8962531

NM_000138.5(FBN1):c.4327G>A (p.Ala1443Thr)

Genes: FBN1 (fibrillin 1; minus strand), LOC126862124 (CDK7 strongly-dependent group 2 enhancer GRCh37_chr15:48764566-48765765; plus strand). Cytogenetic location: 15q21.1.
Variant type: single nucleotide variant.
Coding change: c.4327G>A on transcript NM_000138.5 (MANE Select); coding-DNA position 4327, G replaced by A.
Protein change: p.Ala1443Thr; replaces alanine 1443 with threonine.
Molecular consequence: missense variant.
Genome position (GRCh38, 1-based): chr15:48,472,560, C>T on the plus strand (G>A on the coding strand, the complement: FBN1 is on the minus strand). VCF-style: chr15-48472560-C-T. GRCh37 (hg19) VCF-style: chr15-48764757-C-T.
Other names: c.4327G>A, p.Ala1443Thr (NM_001406716.1); short protein forms A1443T.
Identifiers: ClinVar variation 2184029 (VCV002184029.4), dbSNP rs1370217982, ClinGen allele CA392317548.